The following is an entry in ClinVar:

NM_000036.3(AMPD1):c.1400G>A (p.Arg467His)

Gene: AMPD1 (adenosine monophosphate deaminase 1; minus strand). Cytogenetic location: 1p13.2.
Variant type: single nucleotide variant.
Coding change: c.1400G>A on transcript NM_000036.3 (MANE Select); coding-DNA position 1400, G replaced by A.
Protein change: p.Arg467His; replaces arginine 467 with histidine.
Molecular consequence: missense variant.
Genome position (GRCh38, 1-based): chr1:114,675,992, C>T on the plus strand (G>A on the coding strand, the complement: AMPD1 is on the minus strand). VCF-style: chr1-114675992-C-T. GRCh37 (hg19) VCF-style: chr1-115218613-C-T.
Other names: c.1388G>A, p.Arg463His (NM_001172626.2); short protein forms R463H, R467H.
Identifiers: ClinVar variation 1424192 (VCV001424192.4), dbSNP rs140957303, ClinGen allele CA1020118.

ClinVar aggregate classification (germline): Uncertain significance (1 of 4 stars; one submission).

Conditions:
Muscle AMP deaminase deficiency (MMDD). Also called: AMPD1 DEFICIENCY; ADENOSINE MONOPHOSPHATE DEAMINASE-1 DEFICIENCY, MYOPATHY DUE TO; Myoadenylate deaminase deficiency, myopathy due to; Adenosine monophosphate deaminase 1 deficiency; AMP deaminase 1 deficiency; Adenosine Monophosphate Deaminase 1. Identifiers: Orphanet 45, MedGen C3714933, MONDO:0014220, OMIM 615511.

Allele frequency attached by ClinVar (database versions not stated): ESP Exome Variant Server 0.00008; gnomAD 0.00008.
gnomAD v4.1: 208 of 1,613,744 alleles (0.013%); highest among the groups gnomAD compares: East Asian, 0.04%; no homozygotes.

Submission:

Labcorp Genetics (formerly Invitae), Labcorp
Classification: Uncertain significance for Muscle AMP deaminase deficiency. Last evaluated: 2024-12-12. Review status: criteria provided, single submitter. Criteria: Invitae Variant Classification Sherloc (09022015). Collection method: clinical testing. Allele origin: germline.
Comment: This sequence change replaces arginine, which is basic and polar, with histidine, which is basic and polar, at codon 500 of the AMPD1 protein (p.Arg500His). This variant is present in population databases (rs140957303, gnomAD 0.05%). This variant has not been reported in the literature in individuals affected with AMPD1-related conditions. ClinVar contains an entry for this variant (Variation ID: 1424192). Invitae Evidence Modeling of protein sequence and biophysical properties (such as structural, functional, and spatial information, amino acid conservation, physicochemical variation, residue mobility, and thermodynamic stability) indicates that this missense variant is not expected to disrupt AMPD1 protein function with a negative predictive value of 80%. In summary, the available evidence is currently insufficient to determine the role of this variant in disease. Therefore, it has been classified as a Variant of Uncertain Significance.